The following is an entry in ClinVar:

NC_000011.9:g.(?_93529566)_(93535148_?)del

Gene: MED17 (mediator complex subunit 17; plus strand). Cytogenetic location: 11q21.
Variant type: Deletion.
Identifiers: ClinVar variation 1076892 (VCV001076892.3).

ClinVar aggregate classification (germline): Pathogenic (1 of 4 stars; one submission).

Submission:

Labcorp Genetics (formerly Invitae), Labcorp
Classification: Pathogenic. Last evaluated: 2020-08-11. Review status: criteria provided, single submitter. Criteria: Invitae Variant Classification Sherloc (09022015). Collection method: clinical testing. Allele origin: germline.
Comment: For these reasons, this variant has been classified as Pathogenic. Loss-of-function variants in MED17 are known to be pathogenic (PMID: 20950787, 26004231, 30345598). This variant has not been reported in the literature in individuals with MED17-related conditions. This variant is an out-of-frame deletion of the genomic region encompassing exon(s) 7-9 of the MED17 gene. This is expected to create a premature translational stop signal and result in an absent or disrupted protein product.

Literature cited by the submitters: PubMed 20950787; PubMed 26004231; PubMed 30345598.